The following is an entry in ClinVar:

NM_001110556.2(FLNA):c.396G>T (p.Gly132=)

Gene: FLNA (filamin A; minus strand). Cytogenetic location: Xq28.
Variant type: single nucleotide variant.
Coding change: c.396G>T on transcript NM_001110556.2 (MANE Select); coding-DNA position 396, G replaced by T.
Protein change: p.Gly132=; no amino-acid change (glycine 132 retained).
Molecular consequence: synonymous variant.
Genome position (GRCh38, 1-based): chrX:154,368,068, C>A on the plus strand (G>T on the coding strand, the complement: FLNA is on the minus strand). VCF-style: chrX-154368068-C-A. GRCh37 (hg19) VCF-style: chrX-153596436-C-A.
Other names: NC_000023.10:g.153596436C>A; c.396G>T, p.Gly132= (NM_001456.4).
Identifiers: ClinVar variation 506899 (VCV000506899.2), dbSNP rs1557179687, ClinGen allele CA519277193.

ClinVar aggregate classification (germline): Likely benign (1 of 4 stars; one submission).

Submissions (3):

GeneDx
Classification: Likely benign. Last evaluated: 2017-01-20. Review status: criteria provided, single submitter. Criteria: GeneDx Variant Classification (06012015). Collection method: clinical testing. Allele origin: germline. Affected: yes.
Comment: This variant is considered likely benign or benign based on one or more of the following criteria: it is a conservative change, it occurs at a poorly conserved position in the protein, it is predicted to be benign by multiple in silico algorithms, and/or has population frequency not consistent with disease.

Dr. Peter K. Rogan Lab, Western University
No classification provided (evidence only). Condition: Thyroid cancer, nonmedullary, 1. Review status: no classification provided. Collection method: in vitro. Allele origin: not applicable. Functional consequence: retained intron. Not counted in ClinVar's aggregate classification.

Dr. Peter K. Rogan Lab, Western University
No classification provided (evidence only). Condition: Thyroid cancer, nonmedullary, 1. Review status: no classification provided. Collection method: in vitro. Allele origin: not applicable. Functional consequence: retained intron. Not counted in ClinVar's aggregate classification.